The following is an entry in ClinVar:

ClinVar aggregate classification (germline): Conflicting classifications of pathogenicity. Review status: criteria provided, conflicting classifications (1 of 4 stars). 2 submissions from 2 submitters: Uncertain significance (1); Benign (1). Last evaluated 2024-02-05.

Conditions:
Congenital contractural arachnodactyly (CCA). Also called: Beals-Hecht syndrome; Arthrogryposis, distal, type 9; BEALS SYNDROME. Identifiers: Orphanet 115, MedGen C0220668, MONDO:0007363, OMIM 121050.
Familial thoracic aortic aneurysm and aortic dissection (TAAD). Also called: Thoracic aortic aneurysms and dissections. Identifiers: Orphanet 91387, MedGen C4707243, MONDO:0019625.

Allele frequency attached by ClinVar (database versions not stated): gnomAD 0.00001; gnomAD exomes 0.00001 and 0.00002; ExAC 0.00004.
gnomAD v4.1: 10 of 1,575,914 alleles (0.00063%); highest among the groups gnomAD compares: Admixed American, 0.0036%; no homozygotes.

Submissions (2):

Ambry Genetics
Classification: Uncertain significance for Familial thoracic aortic aneurysm and aortic dissection. Last evaluated: 2024-02-05. Review status: criteria provided, single submitter. Criteria: Ambry Variant Classification Scheme 2023. Collection method: clinical testing. Allele origin: germline.
Comment: The p.Q29P variant (also known as c.86A>C), located in coding exon 1 of the FBN2 gene, results from an A to C substitution at nucleotide position 86. The glutamine at codon 29 is replaced by proline, an amino acid with similar properties. This amino acid position is well conserved in available vertebrate species. In addition, the in silico prediction for this alteration is inconclusive. Based on the available evidence, the clinical significance of this alteration remains unclear.

Labcorp Genetics (formerly Invitae), Labcorp
Classification: Benign for Congenital contractural arachnodactyly. Last evaluated: 2024-02-03. Review status: criteria provided, single submitter. Criteria: Invitae Variant Classification Sherloc (09022015). Collection method: clinical testing. Allele origin: germline.

NM_001999.4(FBN2):c.86A>C (p.Gln29Pro)

Gene: FBN2 (fibrillin 2; minus strand). Cytogenetic location: 5q23.3.
Variant type: single nucleotide variant.
Coding change: c.86A>C on transcript NM_001999.4 (MANE Select); coding-DNA position 86, A replaced by C.
Protein change: p.Gln29Pro; replaces glutamine 29 with proline.
Molecular consequence: missense variant.
Genome position (GRCh38, 1-based): chr5:128,537,518, T>G on the plus strand (A>C on the coding strand, the complement: FBN2 is on the minus strand). VCF-style: chr5-128537518-T-G. GRCh37 (hg19) VCF-style: chr5-127873211-T-G.
Other names: c.86A>C (NM_001999.3); short protein forms Q29P.
Identifiers: ClinVar variation 1006685 (VCV001006685.8), dbSNP rs771712321, ClinGen allele CA3396232.